The following is an entry in ClinVar:

NM_024529.5(CDC73):c.478C>T (p.His160Tyr)

Gene: CDC73 (cell division cycle 73; plus strand). Cytogenetic location: 1q31.2.
Variant type: single nucleotide variant.
Coding change: c.478C>T on transcript NM_024529.5 (MANE Select); coding-DNA position 478, C replaced by T.
Protein change: p.His160Tyr; replaces histidine 160 with tyrosine.
Molecular consequence: missense variant.
Genome position (GRCh38, 1-based): chr1:193,138,139, C>T. VCF-style: chr1-193138139-C-T. GRCh37 (hg19) VCF-style: chr1-193107269-C-T.
Other names: short protein forms H160Y.
Identifiers: ClinVar variation 3265071 (VCV003265071.1).
Genomic context (GRCh38, chr1:193,138,139, plus strand): 5'-TTCCAGGATGAAGAGTGTGTGCGCCTTGATAAAGAGAGATTGGCTGCCCGTTTGGAGGGT[C>T]ACAAAGAAGGGATTGTACAGACTGAACAGATTAGGTAAGAATTCTTTTTAAGTAGAAAGT-3'
Protein context (NP_078805.3, residues 150-170): KERLAARLEG[His160Tyr]KEGIVQTEQI

ClinVar aggregate classification (germline): Uncertain significance (1 of 4 stars; one submission).

Conditions:
Hereditary cancer-predisposing syndrome. Also called: Hereditary Cancer Syndrome; Tumor predisposition; Hereditary neoplastic syndrome; Neoplastic Syndromes, Hereditary. Identifiers: Orphanet 140162, MedGen C0027672, MeSH D009386, MONDO:0015356.

Submission:

Ambry Genetics
Classification: Uncertain significance for Hereditary cancer-predisposing syndrome. Last evaluated: 2024-06-12. Review status: criteria provided, single submitter. Criteria: Ambry Variant Classification Scheme 2023. Collection method: clinical testing. Allele origin: germline.
Comment: The p.H160Y variant (also known as c.478C>T), located in coding exon 6 of the CDC73 gene, results from a C to T substitution at nucleotide position 478. The histidine at codon 160 is replaced by tyrosine, an amino acid with similar properties. This amino acid position is conserved. In addition, the in silico prediction for this alteration is inconclusive. Based on the available evidence, the clinical significance of this variant remains unclear.